The following is an entry in ClinVar:

NM_201384.3(PLEC):c.1086C>G (p.His362Gln)

Gene: PLEC (plectin; minus strand). Cytogenetic location: 8q24.3.
Variant type: single nucleotide variant.
Coding change: c.1086C>G on transcript NM_201384.3 (MANE Select); coding-DNA position 1086, C replaced by G.
Protein change: p.His362Gln; replaces histidine 362 with glutamine.
Molecular consequence: missense variant.
Genome position (GRCh38, 1-based): chr8:143,934,401, G>C on the plus strand (C>G on the coding strand, the complement: PLEC is on the minus strand). VCF-style: chr8-143934401-G-C. GRCh37 (hg19) VCF-style: chr8-145008569-G-C.
Other names: c.1167C>G, p.His389Gln (NM_000445.5); c.1044C>G, p.His348Gln (NM_201378.4); c.1020C>G, p.His340Gln (NM_201379.3); c.1497C>G, p.His499Gln (NM_201380.4); c.990C>G, p.His330Gln (NM_201381.3); c.1086C>G, p.His362Gln (NM_201382.4); c.1098C>G, p.His366Gln (NM_201383.3); short protein forms H330Q, H340Q, H348Q, H362Q, H366Q, H389Q, H499Q.
Identifiers: ClinVar variation 586327 (VCV000586327.11), dbSNP rs1221901115, ClinGen allele CA372584895.

ClinVar aggregate classification (germline): Uncertain significance. Review status: criteria provided, multiple submitters, no conflicts (2 of 4 stars). 4 submissions from 4 submitters: Uncertain significance (4). Last evaluated 2026-03-30.

Conditions:
Inborn genetic diseases. Identifiers: MedGen C0950123, MeSH D030342.
PLEC-related disorder. Also called: PLEC-related disorders; PLEC-related condition.
Epidermolysis bullosa simplex 5C, with pyloric atresia (EBS5C). Also called: PLEC-Related Epidermolysis Bullosa with Pyloric Atresia; PLEC1-Related Epidermolysis Bullosa with Pyloric Atresia; Epidermolysis bullosa simplex with pyloric atresia. Identifiers: Orphanet 158684, MedGen C2677349, MONDO:0012807, OMIM 612138.
Epidermolysis bullosa simplex, Ogna type (EBS5A). Also called: Pidermolysis bullosa simplex 5A, Ogna type; EPIDERMOLYSIS BULLOSA SIMPLEX 5A, OGNA TYPE. Identifiers: Orphanet 79401, MedGen C0432317, MONDO:0007555, OMIM 131950.
Epidermolysis bullosa simplex 5B, with muscular dystrophy (EBS5B). Also called: Epidermolysis bullosa simplex with muscular dystrophy; EPIDERMOLYSIS BULLOSA SIMPLEX AND LIMB-GIRDLE MUSCULAR DYSTROPHY. Identifiers: Orphanet 257, MedGen C2931072, MONDO:0009181, OMIM 226670.
Epidermolysis bullosa simplex with nail dystrophy (EBS5D). Identifiers: MedGen C4225309, MONDO:0014661, OMIM 616487.
Autosomal recessive limb-girdle muscular dystrophy type 2Q (LGMDR17). Also called: MUSCULAR DYSTROPHY, LIMB-GIRDLE, AUTOSOMAL RECESSIVE 17. Identifiers: Orphanet 254361, MedGen C3150989, MONDO:0013390, OMIM 613723.

Allele frequency attached by ClinVar (database versions not stated): gnomAD 0.00001; gnomAD exomes 0.00001; TOPMed 0.00002.
gnomAD v4.1: 41 of 1,612,240 alleles (0.0025%); highest among the groups gnomAD compares: Non-Finnish European, 0.0031%; no homozygotes.

Submissions (4):

PreventionGenetics, part of Exact Sciences
Classification: Uncertain significance for PLEC-related condition. Last evaluated: 2026-03-30. Review status: criteria provided, single submitter. Criteria: ACMG Guidelines, 2015. Collection method: clinical testing. Allele origin: germline.
Comment: The PLEC c.1167C>G variant is predicted to result in the amino acid substitution p.His389Gln. To our knowledge, this variant has not been reported in the literature. This variant is reported in 0.0032% of alleles in individuals of European (non-Finnish) descent in gnomAD. At this time, the clinical significance of this variant is uncertain due to the absence of conclusive functional and genetic evidence.

Ambry Genetics
Classification: Uncertain significance for Inborn genetic diseases. Last evaluated: 2025-04-25. Review status: criteria provided, single submitter. Criteria: Ambry Variant Classification Scheme 2023. Collection method: clinical testing. Allele origin: germline.

Labcorp Genetics (formerly Invitae), Labcorp
Classification: Uncertain significance for Autosomal recessive limb-girdle muscular dystrophy type 2Q; Epidermolysis bullosa simplex, Ogna type; Epidermolysis bullosa simplex with nail dystrophy; Epidermolysis bullosa simplex 5C, with pyloric atresia; Epidermolysis bullosa simplex 5B, with muscular dystrophy. Last evaluated: 2024-08-09. Review status: criteria provided, single submitter. Criteria: Invitae Variant Classification Sherloc (09022015). Collection method: clinical testing. Allele origin: germline.
Comment: This sequence change replaces histidine, which is basic and polar, with glutamine, which is neutral and polar, at codon 389 of the PLEC protein (p.His389Gln). This variant is present in population databases (no rsID available, gnomAD 0.003%). This variant has not been reported in the literature in individuals affected with PLEC-related conditions. ClinVar contains an entry for this variant (Variation ID: 586327). Experimental studies and prediction algorithms are not available or were not evaluated, and the functional significance of this variant is currently unknown. In summary, the available evidence is currently insufficient to determine the role of this variant in disease. Therefore, it has been classified as a Variant of Uncertain Significance.

Athena Diagnostics
Classification: Uncertain significance. Last evaluated: 2018-05-29. Review status: criteria provided, single submitter. Criteria: Athena Diagnostics Criteria. Collection method: clinical testing. Allele origin: germline.